The following is an entry in ClinVar:

NM_206933.4(USH2A):c.4118del (p.Leu1373fs)

Genes: USH2A (usherin; minus strand), USH2A-AS1 (USH2A antisense RNA 1; plus strand). Cytogenetic location: 1q41.
Variant type: Deletion.
Coding change: c.4118del on transcript NM_206933.4 (MANE Select); coding-DNA position 4118, one base deleted (T; older notation c.4118delT).
Protein change: p.Leu1373fs; shifts the reading frame from leucine 1373.
Molecular consequence: frameshift variant.
Genome position (GRCh38, 1-based): chr1:216,196,686, A deleted on the plus strand (T on the coding strand, the reverse complement: USH2A is on the minus strand). VCF-style (leftmost placement, unchanged base first): chr1-216196685-GA-G. GRCh37 (hg19) VCF-style: chr1-216370027-GA-G.
Other names: c.4118del, p.Leu1373fs (NM_007123.6); short protein forms L1373fs.
Identifiers: ClinVar variation 1456939 (VCV001456939.6), dbSNP rs2102460644, ClinGen allele CA2573130637.
Genomic context (GRCh38, chr1:216,196,685, plus strand): 5'-TTTTCCTCTTGTAACATTATCTGCTGGCTTCTCCCAGGAGATATTGAGAGAGTACGAAGA[GA>G]GGGGAAAGACTGAAGGAGGGATCATGAATACAGGTGCTATCAATGAGAACAATAACAATA-3'

ClinVar aggregate classification (germline): Pathogenic (1 of 4 stars; one submission).

Submission:

Labcorp Genetics (formerly Invitae), Labcorp
Classification: Pathogenic. Last evaluated: 2021-10-28. Review status: criteria provided, single submitter. Criteria: Invitae Variant Classification Sherloc (09022015). Collection method: clinical testing. Allele origin: germline.
Comment: For these reasons, this variant has been classified as Pathogenic. This variant has not been reported in the literature in individuals affected with USH2A-related conditions. This variant is not present in population databases (gnomAD no frequency). This sequence change creates a premature translational stop signal (p.Leu1373Profs*59) in the USH2A gene. It is expected to result in an absent or disrupted protein product. Loss-of-function variants in USH2A are known to be pathogenic (PMID: 10729113, 10909849, 20507924, 25649381).

Literature cited by the submitters: PubMed 10729113; PubMed 10909849; PubMed 20507924; PubMed 25649381.